The following is an entry in ClinVar:

NM_030665.4(RAI1):c.387A>G (p.Pro129=)

Gene: RAI1 (retinoic acid induced 1; plus strand). Cytogenetic location: 17p11.2.
Variant type: single nucleotide variant.
Coding change: c.387A>G on transcript NM_030665.4 (MANE Select); coding-DNA position 387, A replaced by G.
Protein change: p.Pro129=; no amino-acid change (proline 129 retained).
Molecular consequence: synonymous variant.
Genome position (GRCh38, 1-based): chr17:17,793,335, A>G. VCF-style: chr17-17793335-A-G. GRCh37 (hg19) VCF-style: chr17-17696649-A-G.
Identifiers: ClinVar variation 436486 (VCV000436486.57), dbSNP rs199605856, ClinGen allele CA8418113.

ClinVar aggregate classification (germline): Likely benign. Review status: criteria provided, multiple submitters, no conflicts (2 of 4 stars). 5 submissions from 5 submitters: Likely benign (4). 1 of the submissions does not count toward it. Last evaluated 2026-01-26.

Conditions:
Inborn genetic diseases. Identifiers: MedGen C0950123, MeSH D030342.
RAI1-related disorder. Also called: RAI1-related condition.

Allele frequency attached by ClinVar (database versions not stated): gnomAD exomes 0.00004; TOPMed 0.00004; gnomAD 0.00005 and 0.00006; ExAC 0.00006; 1000 Genomes Project 30x 0.00047; 1000 Genomes Project 0.00060.
gnomAD v4.1: 72 of 1,612,472 alleles (0.0045%); highest among the groups gnomAD compares: Middle Eastern, 0.12%; no homozygotes.

Submissions (5):

Labcorp Genetics (formerly Invitae), Labcorp
Classification: Likely benign. Last evaluated: 2026-01-26. Review status: criteria provided, single submitter. Criteria: Invitae Variant Classification Sherloc (09022015). Collection method: clinical testing. Allele origin: germline.

CeGaT Center for Human Genetics Tuebingen
Classification: Likely benign. Last evaluated: 2018-05-01. Review status: criteria provided, single submitter. Criteria: CeGaT Center For Human Genetics Tuebingen Variant Classification Criteria Version 2. Collection method: clinical testing. Allele origin: germline. Affected: yes. Observed: 1 variant allele.

Ambry Genetics
Classification: Likely benign for Inborn genetic diseases. Last evaluated: 2017-05-03. Review status: criteria provided, single submitter. Criteria: Ambry Variant Classification Scheme 2023. Collection method: clinical testing. Allele origin: germline.

Genetic Services Laboratory, University of Chicago
Classification: Likely benign. Last evaluated: 2016-02-18. Review status: criteria provided, single submitter. Criteria: ACMG Guidelines, 2015. Collection method: clinical testing. Allele origin: germline. Affected: no.

PreventionGenetics, part of Exact Sciences
Classification: Likely benign for RAI1-related condition. Last evaluated: 2020-06-26. Review status: no assertion criteria provided. Collection method: clinical testing. Allele origin: germline. Not counted in ClinVar's aggregate classification.
Comment: This variant is classified as likely benign based on ACMG/AMP sequence variant interpretation guidelines (Richards et al. 2015 PMID: 25741868, with internal and published modifications).